The following is an entry in ClinVar:

ClinVar aggregate classification (germline): Uncertain significance (1 of 4 stars; one submission).

Submission:

GeneDx
Classification: Uncertain significance. Last evaluated: 2022-04-06. Review status: criteria provided, single submitter. Criteria: GeneDx Variant Classification Process June 2021. Collection method: clinical testing. Allele origin: germline. Affected: yes.
Comment: Not observed at significant frequency in large population cohorts (gnomAD); In silico analysis supports that this missense variant has a deleterious effect on protein structure/function; Has not been previously published as pathogenic or benign to our knowledge; Variants in candidate genes are classified as variants of uncertain significance in accordance with ACMG guidelines (Richards et al., 2015)

NM_000718.4(CACNA1B):c.2562C>G (p.His854Gln)

Gene: CACNA1B (calcium voltage-gated channel subunit alpha1 B; plus strand). Cytogenetic location: 9q34.3.
Variant type: single nucleotide variant.
Coding change: c.2562C>G on transcript NM_000718.4 (MANE Select); coding-DNA position 2562, C replaced by G.
Protein change: p.His854Gln; replaces histidine 854 with glutamine.
Molecular consequence: missense variant.
Genome position (GRCh38, 1-based): chr9:138,023,305, C>G. VCF-style: chr9-138023305-C-G. GRCh37 (hg19) VCF-style: chr9-140917757-C-G.
Other names: c.2562C>G, p.His854Gln (NM_001243812.2); short protein forms H854Q.
Identifiers: ClinVar variation 3342484 (VCV003342484.1).